The following is an entry in ClinVar:

NM_004656.4(BAP1):c.223G>A (p.Asp75Asn)

Gene: BAP1 (BRCA1 associated deubiquitinase 1; minus strand). Cytogenetic location: 3p21.1.
Variant type: single nucleotide variant.
Coding change: c.223G>A on transcript NM_004656.4 (MANE Select); coding-DNA position 223, G replaced by A.
Protein change: p.Asp75Asn; replaces aspartic acid 75 with asparagine.
Molecular consequence: missense variant.
Genome position (GRCh38, 1-based): chr3:52,408,506, C>T on the plus strand (G>A on the coding strand, the complement: BAP1 is on the minus strand). VCF-style: chr3-52408506-C-T. GRCh37 (hg19) VCF-style: chr3-52442522-C-T.
Other names: c.223G>A, p.Asp75Asn (NM_001410772.1); short protein forms D75N.
Identifiers: ClinVar variation 1788258 (VCV001788258.3), dbSNP rs2153228298, ClinGen allele CA353113110.
Genomic context (GRCh38, chr3:52,408,506, plus strand): 5'-TCCAAACAAAGCACAGAGTCCAGCAGACCTGGTGGGCAAAGAACATGTTATTCACAATAT[C>T]ATCATCAATCACGGACGTATCATCCACCAAGGTAGAGACCTTTCGCCGGGACCGGCGCTC-3'
Protein context (NP_004647.1, residues 65-85): LVDDTSVIDD[Asp75Asn]IVNNMFFAHQ

ClinVar aggregate classification (germline): Uncertain significance. Review status: criteria provided, multiple submitters, no conflicts (2 of 4 stars). 2 submissions from 2 submitters: Uncertain significance (2). Last evaluated 2023-09-29.

Conditions:
Hereditary cancer-predisposing syndrome. Also called: Neoplastic Syndromes, Hereditary; Tumor predisposition; Hereditary Cancer Syndrome; Hereditary neoplastic syndrome. Identifiers: Orphanet 140162, MedGen C0027672, MeSH D009386, MONDO:0015356.
BAP1-related tumor predisposition syndrome (TPDS1). Also called: COMMON Syndrome; TUMOR PREDISPOSITION SYNDROME 1; BAP1 tumor predisposition syndrome; Tumor susceptibility linked to germline BAP1 mutations. Identifiers: Orphanet 289539, MedGen C3280492, MONDO:0013692, OMIM 614327.

Submissions (2):

Baylor Genetics
Classification: Uncertain significance for BAP1-related tumor predisposition syndrome. Last evaluated: 2023-09-29. Review status: criteria provided, single submitter. Criteria: ACMG Guidelines, 2015. Collection method: clinical testing. Allele origin: unknown.

Ambry Genetics
Classification: Uncertain significance for Hereditary cancer-predisposing syndrome. Last evaluated: 2021-12-30. Review status: criteria provided, single submitter. Criteria: Ambry Variant Classification Scheme 2023. Collection method: clinical testing. Allele origin: germline.
Comment: The p.D75N variant (also known as c.223G>A), located in coding exon 4 of the BAP1 gene, results from a G to A substitution at nucleotide position 223. The aspartic acid at codon 75 is replaced by asparagine, an amino acid with highly similar properties. This amino acid position is not well conserved in available vertebrate species. In addition, this alteration is predicted to be tolerated by in silico analysis. Since supporting evidence is limited at this time, the clinical significance of this alteration remains unclear.